The following is an entry in ClinVar:

NM_001271.4(CHD2):c.4971G>A (p.Trp1657Ter)

Gene: CHD2 (chromodomain helicase DNA binding protein 2; plus strand). Cytogenetic location: 15q26.1.
Variant type: single nucleotide variant.
Coding change: c.4971G>A on transcript NM_001271.4 (MANE Select); coding-DNA position 4971, G replaced by A.
Protein change: p.Trp1657Ter; replaces tryptophan 1657 with a stop codon.
Molecular consequence: nonsense.
Genome position (GRCh38, 1-based): chr15:93,020,076, G>A. VCF-style: chr15-93020076-G-A. GRCh37 (hg19) VCF-style: chr15-93563306-G-A.
Other names: short protein forms W1657*.
Identifiers: ClinVar variation 92095 (VCV000092095.58), dbSNP rs398122998, ClinGen allele CA345419.

ClinVar aggregate classification (germline): Pathogenic/Likely pathogenic. Review status: criteria provided, multiple submitters, no conflicts (2 of 4 stars). 8 submissions from 8 submitters: Pathogenic (6); Likely pathogenic (1). 1 of the submissions does not count toward it. Last evaluated 2026-07-07.

Conditions:
CHD2-related disorder. Also called: CHD2-related condition.
Developmental and epileptic encephalopathy 94 (DEE94). Also called: Epileptic encephalopathy, childhood-onset; CHD2-Related Neurodevelopmental Disorders. Identifiers: Orphanet 1942, Orphanet 2382, MedGen C3809278, MONDO:0014150, OMIM 615369.
Inborn genetic diseases. Identifiers: MedGen C0950123, MeSH D030342.

Submissions (8):

Ambry Genetics
Classification: Pathogenic for Inborn genetic diseases. Last evaluated: 2026-07-07. Review status: criteria provided, single submitter. Criteria: Ambry Variant Classification Scheme 2023. Collection method: clinical testing. Allele origin: germline.
Comment: The c.4971G>A (p.W1657*) alteration, located in exon 38 (coding exon 37) of the CHD2 gene, consists of a G to A substitution at nucleotide position 4971. This changes the amino acid from a tryptophan (W) to a stop codon at amino acid position 1657. This variant is expected to result in loss of function by premature protein truncation or nonsense-mediated mRNA decay. This variant was not reported in population-based cohorts in the Genome Aggregation Database (gnomAD). This variant was determined to be de novo in at least one individual with features consistent with CHD2-related developmental and epileptic encephalopathy (Suls, 2013). Based on the available evidence, this alteration is classified as pathogenic.

Blueprint Genetics
Classification: Pathogenic for CHD2-related disorders. Last evaluated: 2024-02-15. Review status: criteria provided, single submitter. Criteria: ACMG Guidelines, 2015. Collection method: clinical testing. Allele origin: de novo. Affected: yes. Observed: 2 variant alleles.

GeneDx
Classification: Pathogenic. Last evaluated: 2022-07-13. Review status: criteria provided, single submitter. Criteria: GeneDx Variant Classification Process June 2021. Collection method: clinical testing. Allele origin: germline. Affected: yes.
Comment: Nonsense variant predicted to result in protein truncation or nonsense mediated decay in a gene for which loss of function is a known mechanism of disease; Not observed at significant frequency in large population cohorts (gnomAD); This variant is associated with the following publications: (PMID: 24207121)

Labcorp Genetics (formerly Invitae), Labcorp
Classification: Pathogenic for Developmental and epileptic encephalopathy 94. Last evaluated: 2022-02-08. Review status: criteria provided, single submitter. Criteria: Invitae Variant Classification Sherloc (09022015). Collection method: clinical testing. Allele origin: germline.
Comment: This sequence change creates a premature translational stop signal (p.Trp1657*) in the CHD2 gene. It is expected to result in an absent or disrupted protein product. Loss-of-function variants in CHD2 are known to be pathogenic (PMID: 23708187, 24207121). This variant is not present in population databases (gnomAD no frequency). This premature translational stop signal has been observed in individual(s) with early onset epileptic encephalopathy (PMID: 24207121; Invitae). In at least one individual the variant was observed to be de novo. ClinVar contains an entry for this variant (Variation ID: 92095). For these reasons, this variant has been classified as Pathogenic.

CeGaT Center for Human Genetics Tuebingen
Classification: Likely pathogenic. Last evaluated: 2018-10-01. Review status: criteria provided, single submitter. Criteria: CeGaT Center For Human Genetics Tuebingen Variant Classification Criteria Version 2. Collection method: clinical testing. Allele origin: germline. Affected: yes. Observed: 1 variant allele.

Juno Genomics, Hangzhou Juno Genomics, Inc
Classification: Pathogenic for Developmental and epileptic encephalopathy 94. Review status: criteria provided, single submitter. Criteria: ACMG Guidelines, 2015. Collection method: clinical testing. Allele origin: germline. Affected: yes.
Comment: Absent from controls (or at extremely low frequency if recessive) in Genome Aggregation Database, Exome Sequencing Project, 1000 Genomes Project, or Exome Aggregation Consortium.;Null variant in a gene where loss of function (LOF) is a known mechanism of disease.;The prevalence of the variant in affected individuals is significantly increased compared to the prevalence in controls.;De novo (both maternity and paternity confirmed) in a patient with the disease and no family history.

Pediatrics, Sichuan Provincial Hospital For Women And Children
Classification: Pathogenic for Developmental and epileptic encephalopathy 94. Review status: criteria provided, single submitter. Criteria: ACMG Guidelines, 2015. Collection method: provider interpretation. Allele origin: unknown. Inheritance: Autosomal dominant inheritance. Affected: yes. Observed: 1 hemizygote.
Comment: PVS1+PS4_Supporting+PM2_Supporting

OMIM
Classification: Pathogenic for DEVELOPMENTAL AND EPILEPTIC ENCEPHALOPATHY 94. Last evaluated: 2013-11-07. Review status: no assertion criteria provided. Collection method: literature only. Allele origin: germline. Not counted in ClinVar's aggregate classification.

Literature cited by the submitters: PubMed 24207121 (cited by 3 submitters); PubMed 23708187 (cited by Labcorp Genetics (formerly Invitae), Labcorp).